The following is an entry in ClinVar:

NM_005445.4(SMC3):c.3443C>A (p.Ala1148Asp)

Gene: SMC3 (structural maintenance of chromosomes 3; plus strand). Cytogenetic location: 10q25.2.
Variant type: single nucleotide variant.
Coding change: c.3443C>A on transcript NM_005445.4 (MANE Select); coding-DNA position 3443, C replaced by A.
Protein change: p.Ala1148Asp; replaces alanine 1148 with aspartic acid.
Molecular consequence: missense variant.
Genome position (GRCh38, 1-based): chr10:110,602,970, C>A. VCF-style: chr10-110602970-C-A. GRCh37 (hg19) VCF-style: chr10-112362728-C-A.
Other names: short protein forms A1148D.
Identifiers: ClinVar variation 4057029 (VCV004057029.1).
Genomic context (GRCh38, chr10:110,602,970, plus strand): 5'-TTTTTGCCATTCAGAAATGTGACCCGGCTCCATTTTACTTGTTTGATGAAATTGACCAGG[C>A]TCTGGATGCTCAGCACAGAAAGGCTGTGTCAGGTACAGTTTCAGTACAGTTTTGGTTTTG-3'
Protein context (NP_005436.1, residues 1138-1158): PFYLFDEIDQ[Ala1148Asp]LDAQHRKAVS

ClinVar aggregate classification (germline): Uncertain significance (1 of 4 stars; one submission).

Submission:

GeneDx
Classification: Uncertain significance. Last evaluated: 2025-01-09. Review status: criteria provided, single submitter. Criteria: GeneDx Variant Classification Process June 2021. Collection method: clinical testing. Allele origin: germline. Affected: yes.
Comment: Not observed at significant frequency in large population cohorts (gnomAD); In silico analysis supports that this missense variant has a deleterious effect on protein structure/function; Has not been previously published as pathogenic or benign to our knowledge.